The following is an entry in ClinVar:

ClinVar aggregate classification (germline): Uncertain significance. Review status: criteria provided, multiple submitters, no conflicts (2 of 4 stars). 2 submissions from 2 submitters: Uncertain significance (2). Last evaluated 2024-08-07.

Conditions:
Inborn genetic diseases. Identifiers: MedGen C0950123, MeSH D030342.

Allele frequency attached by ClinVar (database versions not stated): gnomAD exomes below 0.00001; TOPMed 0.00002.
gnomAD v4.1: 2 of 1,614,020 alleles (0.00012%); highest among the groups gnomAD compares: Admixed American, 0.0033%; no homozygotes.

Submissions (2):

Labcorp Genetics (formerly Invitae), Labcorp
Classification: Uncertain significance. Last evaluated: 2024-08-07. Review status: criteria provided, single submitter. Criteria: Invitae Variant Classification Sherloc (09022015). Collection method: clinical testing. Allele origin: germline.
Comment: This sequence change replaces proline, which is neutral and non-polar, with leucine, which is neutral and non-polar, at codon 531 of the MBD4 protein (p.Pro531Leu). This variant is not present in population databases (gnomAD no frequency). This variant has not been reported in the literature in individuals affected with MBD4-related conditions. ClinVar contains an entry for this variant (Variation ID: 2376351). An algorithm developed to predict the effect of missense changes on protein structure and function (PolyPhen-2) suggests that this variant is likely to be disruptive. In summary, the available evidence is currently insufficient to determine the role of this variant in disease. Therefore, it has been classified as a Variant of Uncertain Significance.

Ambry Genetics
Classification: Uncertain significance for Inborn genetic diseases. Last evaluated: 2022-06-13. Review status: criteria provided, single submitter. Criteria: Ambry Variant Classification Scheme 2023. Collection method: clinical testing. Allele origin: germline.

NM_001276270.2(MBD4):c.1574C>T (p.Pro525Leu)

Gene: MBD4 (methyl-CpG binding domain 4, DNA glycosylase; minus strand). Cytogenetic location: 3q21.3.
Variant type: single nucleotide variant.
Coding change: c.1574C>T on transcript NM_001276270.2 (MANE Select); coding-DNA position 1574, C replaced by T.
Protein change: p.Pro525Leu; replaces proline 525 with leucine.
Molecular consequence: missense variant.
Genome position (GRCh38, 1-based): chr3:129,432,576, G>A on the plus strand (C>T on the coding strand, the complement: MBD4 is on the minus strand). VCF-style: chr3-129432576-G-A. GRCh37 (hg19) VCF-style: chr3-129151419-G-A.
Other names: c.1592C>T, p.Pro531Leu (NM_001276271.2, NM_001276272.2, NM_003925.3); c.638C>T, p.Pro213Leu (NM_001276273.2); short protein forms P525L, P213L, P531L.
Identifiers: ClinVar variation 2376351 (VCV002376351.4), dbSNP rs1183301238, ClinGen allele CA354464996.
Genomic context (GRCh38, chr3:129,432,576, plus strand): 5'-TTGACACAAAAAATTCGGTAAGAGTCGTTGCCATATTTACCAATCCCATGAAGCTCAATT[G>A]GATACTTCCACTGCTTTGTCAGGTATTCATCTGAAGAATACAACATCCCACATTATCAGG-3'
Protein context (NP_001263199.1, residues 515-535): DEYLTKQWKY[Pro525Leu]IELHGIGKYG